The following is an entry in ClinVar:

ClinVar aggregate classification (germline): Uncertain significance (1 of 4 stars; one submission).

Conditions:
LAMA2-related muscular dystrophy (LAMA2-RD). Also called: Laminin alpha 2-related dystrophy. Identifiers: MedGen C5679788, MONDO:0100228.

Submission:

Labcorp Genetics (formerly Invitae), Labcorp
Classification: Uncertain significance for LAMA2-related muscular dystrophy. Last evaluated: 2025-08-14. Review status: criteria provided, single submitter. Criteria: Invitae Variant Classification Sherloc (09022015). Collection method: clinical testing. Allele origin: germline.
Comment: This sequence change replaces glycine, which is neutral and non-polar, with valine, which is neutral and non-polar, at codon 284 of the LAMA2 protein (p.Gly284Val). This variant is not present in population databases (gnomAD no frequency). This missense change has been observed in individual(s) with clinical features of LAMA2-related conditions. (internal data). It has also been observed to segregate with disease in related individuals. Invitae Evidence Modeling of protein sequence and biophysical properties (such as structural, functional, and spatial information, amino acid conservation, physicochemical variation, residue mobility, and thermodynamic stability) indicates that this missense variant is not expected to disrupt LAMA2 protein function with a negative predictive value of 95%. Algorithms developed to predict the effect of sequence changes on RNA splicing suggest that this variant may disrupt the consensus splice site. This variant disrupts the p.Gly284 amino acid residue in LAMA2. Other variant(s) that disrupt this residue have been observed in individuals with LAMA2-related conditions (PMID: 21953594), which suggests that this may be a clinically significant amino acid residue. In summary, the available evidence is currently insufficient to determine the role of this variant in disease. Therefore, it has been classified as a Variant of Uncertain Significance.

Literature cited by the submitters: PubMed 21953594.

NM_000426.4(LAMA2):c.851G>T (p.Gly284Val)

Gene: LAMA2 (laminin subunit alpha 2; plus strand). Cytogenetic location: 6q22.33.
Variant type: single nucleotide variant.
Coding change: c.851G>T on transcript NM_000426.4 (MANE Select); coding-DNA position 851, G replaced by T.
Protein change: p.Gly284Val; replaces glycine 284 with valine.
Molecular consequence: missense variant.
Genome position (GRCh38, 1-based): chr6:129,146,990, G>T. VCF-style: chr6-129146990-G-T. GRCh37 (hg19) VCF-style: chr6-129468135-G-T.
Other names: c.851G>T, p.Gly284Val (NM_001079823.2); short protein forms G284V.
Identifiers: ClinVar variation 4696184 (VCV004696184.1).